The following is an entry in ClinVar:

ClinVar aggregate classification (germline): Uncertain significance. Review status: criteria provided, multiple submitters, no conflicts (2 of 4 stars). 5 submissions from 5 submitters: Uncertain significance (5). Last evaluated 2025-09-12.

Conditions:
Hereditary cancer-predisposing syndrome. Also called: Hereditary neoplastic syndrome; Neoplastic Syndromes, Hereditary; Tumor predisposition; Hereditary Cancer Syndrome. Identifiers: Orphanet 140162, MedGen C0027672, MeSH D009386, MONDO:0015356.
Familial cancer of breast. Also called: Hereditary breast cancer; hereditary breast carcinoma; BREAST CANCER, FAMILIAL. Identifiers: Orphanet 227535, MedGen C0346153, MONDO:0016419, OMIM 114480. Disease mechanism: loss of function.
Fanconi anemia complementation group J. Also called: BRIP1-Related Fanconi Anemia. Identifiers: Orphanet 84, MedGen C1836860, MONDO:0012187, OMIM 609054.

Allele frequency attached by ClinVar (database versions not stated): gnomAD exomes below 0.00001 and 0.00001; ExAC 0.00001; gnomAD 0.00001; TOPMed 0.00001.
gnomAD v4.1: 2 of 1,614,056 alleles (0.00012%); highest among the groups gnomAD compares: East Asian, 0.0045%; no homozygotes.

Submissions (5):

Ambry Genetics
Classification: Uncertain significance for Hereditary cancer-predisposing syndrome. Last evaluated: 2025-09-12. Review status: criteria provided, single submitter. Criteria: Ambry Variant Classification Scheme 2023. Collection method: clinical testing. Allele origin: germline.
Comment: The p.P1092S variant (also known as c.3274C>T), located in coding exon 19 of the BRIP1 gene, results from a C to T substitution at nucleotide position 3274. The proline at codon 1092 is replaced by serine, an amino acid with similar properties. This variant was reported in 1/60,466 breast cancer cases and in 4/53,461 controls (Dorling et al. N Engl J Med. 2021 02;384:428-439). This amino acid position is poorly conserved in available vertebrate species. In addition, this alteration is predicted to be tolerated by in silico analysis. Since supporting evidence is limited at this time, the clinical significance of this alteration remains unclear.

Labcorp Genetics (formerly Invitae), Labcorp
Classification: Uncertain significance for Familial cancer of breast; Fanconi anemia complementation group J. Last evaluated: 2025-07-07. Review status: criteria provided, single submitter. Criteria: Invitae Variant Classification Sherloc (09022015). Collection method: clinical testing. Allele origin: germline.
Comment: This sequence change replaces proline, which is neutral and non-polar, with serine, which is neutral and polar, at codon 1092 of the BRIP1 protein (p.Pro1092Ser). This variant is present in population databases (rs768065626, gnomAD 0.02%). This variant has not been reported in the literature in individuals affected with BRIP1-related conditions. ClinVar contains an entry for this variant (Variation ID: 407877). Invitae Evidence Modeling of protein sequence and biophysical properties (such as structural, functional, and spatial information, amino acid conservation, physicochemical variation, residue mobility, and thermodynamic stability) indicates that this missense variant is not expected to disrupt BRIP1 protein function with a negative predictive value of 95%. In summary, the available evidence is currently insufficient to determine the role of this variant in disease. Therefore, it has been classified as a Variant of Uncertain Significance.

Color Diagnostics, LLC DBA Color Health
Classification: Uncertain significance for Hereditary cancer-predisposing syndrome. Last evaluated: 2021-04-19. Review status: criteria provided, single submitter. Criteria: ACMG Guidelines, 2015. Collection method: clinical testing. Allele origin: germline.
Comment: This missense variant replaces proline with serine at codon 1092 of the BRIP1 protein. Computational prediction suggests that this variant may not impact protein structure and function (internally defined REVEL score threshold <= 0.5, PMID: 27666373). To our knowledge, functional studies have not been reported for this variant. This variant has not been reported in individuals affected with hereditary cancer in the literature. This variant has been identified in 3/250878 chromosomes in the general population by the Genome Aggregation Database (gnomAD). The available evidence is insufficient to determine the role of this variant in disease conclusively. Therefore, this variant is classified as a Variant of Uncertain Significance.

Women's Health and Genetics/Laboratory Corporation of America, LabCorp
Classification: Uncertain significance. Last evaluated: 2020-07-16. Review status: criteria provided, single submitter. Criteria: LabCorp Variant Classification Summary - May 2015. Collection method: clinical testing. Allele origin: germline.
Comment: Variant summary: BRIP1 c.3274C>T (p.Pro1092Ser) results in a non-conservative amino acid change in the encoded protein sequence. Four of five in-silico tools predict a benign effect of the variant on protein function. The variant allele was found at a frequency of 1.2e-05 in 250878 control chromosomes. The available data on variant occurrences in the general population are insufficient to allow any conclusion about variant significance. To our knowledge, no occurrence of c.3274C>T in individuals affected with Breast Cancer and no experimental evidence demonstrating its impact on protein function have been reported. Four clinical diagnostic laboratories have submitted clinical-significance assessments for this variant to ClinVar after 2014 without evidence for independent evaluation. All laboratories classified the variant as uncertain significance. Based on the evidence outlined above, the variant was classified as uncertain significance.

Fulgent Genetics
Classification: Uncertain significance for Familial cancer of breast; Fanconi anemia complementation group J. Last evaluated: 2018-10-31. Review status: criteria provided, single submitter. Criteria: ACMG Guidelines, 2015. Collection method: clinical testing. Allele origin: unknown.

Literature cited by the submitters: PubMed 33471991 (cited by Ambry Genetics).

NM_032043.3(BRIP1):c.3274C>T (p.Pro1092Ser)

Gene: BRIP1 (BRCA1 interacting DNA helicase 1; minus strand). Cytogenetic location: 17q23.2.
Variant type: single nucleotide variant.
Coding change: c.3274C>T on transcript NM_032043.3 (MANE Select); coding-DNA position 3274, C replaced by T.
Protein change: p.Pro1092Ser; replaces proline 1092 with serine.
Molecular consequence: missense variant.
Genome position (GRCh38, 1-based): chr17:61,683,772, G>A on the plus strand (C>T on the coding strand, the complement: BRIP1 is on the minus strand). VCF-style: chr17-61683772-G-A. GRCh37 (hg19) VCF-style: chr17-59761133-G-A.
Other names: short protein forms P1092S.
Identifiers: ClinVar variation 407877 (VCV000407877.20), dbSNP rs768065626, ClinGen allele CA8690375.
Genomic context (GRCh38, chr17:61,683,772, plus strand): 5'-CTTCTTCACTTACTAGAGACAATTCAATGTCTGGATCCAGGGCTTCTTCAGAACAGAGCG[G>A]ATGTTCAGAATGATTTTTTCTAGTAAGGGTGGCATCAATCTTTAATGATGAAATAATGGT-3'
Protein context (NP_114432.2, residues 1082-1102): TLTRKNHSEH[Pro1092Ser]LCSEEALDPD